The following is an entry in ClinVar:

ClinVar aggregate classification (germline): Likely benign (1 of 4 stars; one submission).

Submission:

CeGaT Center for Human Genetics Tuebingen
Classification: Likely benign. Last evaluated: 2022-09-01. Review status: criteria provided, single submitter. Criteria: CeGaT Center For Human Genetics Tuebingen Variant Classification Criteria Version 2. Collection method: clinical testing. Allele origin: germline. Affected: yes. Observed: 1 variant allele.
Comment: PRDM2: BS1

NM_001393986.1(PRDM2):c.3771AGA[2] (p.Glu1261del)

Gene: PRDM2 (PR/SET domain 2; plus strand). Cytogenetic location: 1p36.21.
Variant type: Microsatellite.
Coding change: c.3771AGA[2] on transcript NM_001393986.1 (MANE Select); two copies in a row of the 3-base unit AGA starting at c.3771; the reference has three copies in a row; one copy, 3 bases deleted.
Protein change: p.Glu1261del; deletes glutamic acid 1261.
Molecular consequence: inframe deletion. On other transcripts: intron variant (1).
Genome position (GRCh38, 1-based): chr1:13,781,572-13,781,574, AGA deleted; deleting any 3 consecutive bases within chr1:13,781,565-13,781,574 gives the same sequence; the position shown is the placement nearest the transcript's 3' end. VCF-style (leftmost placement, unchanged base first): chr1-13781564-AAAG-A. GRCh37 (hg19) VCF-style: chr1-14108059-AAAG-A.
Other names: c.3168AGA[2], p.Glu1060del (NM_001007257.3, NM_001393987.1, NM_001393988.1); c.3771AGA[2], p.Glu1261del (NM_012231.5, NM_015866.6); c.511+32078AAG[2] (NM_001135610.2); short protein forms E1060del, E1261del.
Identifiers: ClinVar variation 2638289 (VCV002638289.24), dbSNP rs147285105, ClinGen allele CA610890.